The following is an entry in ClinVar:

ClinVar aggregate classification (germline): Uncertain significance (1 of 4 stars; one submission).

Conditions:
Infantile-onset ascending hereditary spastic paralysis (IAHSP). Also called: Infantile-Onset Ascending Hereditary Spastic Paralysis (IAHSP); Autosomal Recessive Juvenile Amyotrophic Lateral Sclerosis. Identifiers: Orphanet 293168, MedGen C2931441, MONDO:0011797, OMIM 607225. Disease mechanism: loss of function.

Allele frequency attached by ClinVar (database versions not stated): gnomAD exomes below 0.00001; ExAC 0.00001.
gnomAD v4.1: 7 of 1,614,154 alleles (0.00043%); highest among the groups gnomAD compares: South Asian, 0.0022%; no homozygotes.

Submission:

Labcorp Genetics (formerly Invitae), Labcorp
Classification: Uncertain significance for Infantile-onset ascending hereditary spastic paralysis. Last evaluated: 2021-09-14. Review status: criteria provided, single submitter. Criteria: Invitae Variant Classification Sherloc (09022015). Collection method: clinical testing. Allele origin: germline.
Comment: In summary, the available evidence is currently insufficient to determine the role of this variant in disease. Therefore, it has been classified as a Variant of Uncertain Significance. Algorithms developed to predict the effect of missense changes on protein structure and function are either unavailable or do not agree on the potential impact of this missense change (SIFT: "Deleterious"; PolyPhen-2: "Benign"; Align-GVGD: "Class C0"). This variant has not been reported in the literature in individuals affected with ALS2-related conditions. This variant is present in population databases (rs753871476, ExAC 0.006%). This sequence change replaces arginine with glutamine at codon 1329 of the ALS2 protein (p.Arg1329Gln). The arginine residue is highly conserved and there is a small physicochemical difference between arginine and glutamine.

NM_020919.4(ALS2):c.3986G>A (p.Arg1329Gln)

Gene: ALS2 (alsin Rho guanine nucleotide exchange factor ALS2; minus strand). Cytogenetic location: 2q33.1.
Variant type: single nucleotide variant.
Coding change: c.3986G>A on transcript NM_020919.4 (MANE Select); coding-DNA position 3986, G replaced by A.
Protein change: p.Arg1329Gln; replaces arginine 1329 with glutamine.
Molecular consequence: missense variant.
Genome position (GRCh38, 1-based): chr2:201,715,690, C>T on the plus strand (G>A on the coding strand, the complement: ALS2 is on the minus strand). VCF-style: chr2-201715690-C-T. GRCh37 (hg19) VCF-style: chr2-202580413-C-T.
Other names: short protein forms R1329Q.
Identifiers: ClinVar variation 1497234 (VCV001497234.6), dbSNP rs753871476, ClinGen allele CA2057709.